The following is an entry in ClinVar:

NM_014956.5(CEP164):c.796AAG[1] (p.Lys267del)

Gene: CEP164 (centrosomal protein 164; plus strand). Cytogenetic location: 11q23.3.
Variant type: Microsatellite.
Coding change: c.796AAG[1] on transcript NM_014956.5 (MANE Select); one copy of the 3-base unit AAG starting at c.796; the reference has two copies in a row; one copy, 3 bases deleted; also written c.799_801del.
Protein change: p.Lys267del; deletes lysine 267.
Molecular consequence: inframe deletion.
Genome position (GRCh38, 1-based): chr11:117,371,113-117,371,115, AAG deleted; deleting any 3 consecutive bases within chr11:117,371,108-117,371,115 gives the same sequence; the position shown is the placement nearest the transcript's 3' end. VCF-style (leftmost placement, unchanged base first): chr11-117371107-GAGA-G. GRCh37 (hg19) VCF-style: chr11-117241823-GAGA-G.
Other names: p.Lys267del; c.796AAG[1], p.Lys267del (NM_001271933.2); c.799_801delAAG (NM_014956.4); c.799_801del (NM_014956.5); short protein forms K267del.
Identifiers: ClinVar variation 838418 (VCV000838418.9), dbSNP rs764638875, ClinGen allele CA6294596.
Genomic context (GRCh38, chr11:117,371,107, plus strand): 5'-TCTTCCTTTCTAACATGGTCTGTTGCTCCCTAGGAGTCTCTGAGAACAAGCCAGCCAGAG[GAGA>G]AGAAGGATGTTTCTCTGGATTCAGATGCTGCCGGTCCCCCTACTCCCTGCAAGCCCTCCA-3'

ClinVar aggregate classification (germline): Uncertain significance. Review status: criteria provided, multiple submitters, no conflicts (2 of 4 stars). 4 submissions from 4 submitters: Uncertain significance (4). Last evaluated 2026-08-12.

Conditions:
Nephronophthisis 15 (NPHP15). Identifiers: Orphanet 3156, MedGen C3541853, MONDO:0013917, OMIM 614845.
CEP164-related disorder. Also called: CEP164-related condition.

Submissions (4):

PreventionGenetics, part of Exact Sciences
Classification: Uncertain significance for CEP164-related condition. Last evaluated: 2026-08-12. Review status: criteria provided, single submitter. Criteria: ACMG Guidelines, 2015. Collection method: clinical testing. Allele origin: germline.
Comment: The CEP164 c.799_801delAAG variant is predicted to result in an in-frame deletion (p.Lys267del). To our knowledge, this variant has not been reported in the literature. This variant is reported in 0.058% of alleles in individuals of Latino descent in gnomAD, including one homozygote, which may be too frequent to be a primary cause of disease. Although we suspect that this variant may be benign, at this time, the clinical significance of this variant is uncertain due to the absence of conclusive functional and genetic evidence.

Mayo Clinic Laboratories, Mayo Clinic
Classification: Uncertain significance. Last evaluated: 2024-07-08. Review status: criteria provided, single submitter. Criteria: ACMG Guidelines, 2015. Collection method: clinical testing. Allele origin: germline. Observed: 1 variant allele.
Comment: PM4

Fulgent Genetics
Classification: Uncertain significance for Nephronophthisis 15. Last evaluated: 2024-06-05. Review status: criteria provided, single submitter. Criteria: ACMG Guidelines, 2015. Collection method: clinical testing. Allele origin: germline.

Labcorp Genetics (formerly Invitae), Labcorp
Classification: Uncertain significance for Nephronophthisis 15. Last evaluated: 2022-09-02. Review status: criteria provided, single submitter. Criteria: Invitae Variant Classification Sherloc (09022015). Collection method: clinical testing. Allele origin: germline.
Comment: This variant, c.799_801del, results in the deletion of 1 amino acid(s) of the CEP164 protein (p.Lys267del), but otherwise preserves the integrity of the reading frame. This variant is present in population databases (rs764638875, gnomAD 0.06%). This variant has not been reported in the literature in individuals affected with CEP164-related conditions. ClinVar contains an entry for this variant (Variation ID: 838418). Experimental studies and prediction algorithms are not available or were not evaluated, and the functional significance of this variant is currently unknown. In summary, the available evidence is currently insufficient to determine the role of this variant in disease. Therefore, it has been classified as a Variant of Uncertain Significance.